The following is an entry in ClinVar:

ClinVar aggregate classification (germline): Conflicting classifications of pathogenicity. Review status: criteria provided, conflicting classifications (1 of 4 stars). 7 submissions from 7 submitters: Likely pathogenic (1); Uncertain significance (4). 2 of the submissions do not count toward it. Last evaluated 2026-08-04.

Conditions:
X-linked scapuloperoneal muscular dystrophy. Also called: SCAPULOPERONEAL MYOPATHY, FHL1-RELATED. Identifiers: Orphanet 431272, MedGen C2678061, MONDO:0010400, OMIM 300695.
X-linked myopathy with postural muscle atrophy. Also called: FHL1-Related Emery-Dreifuss Muscular Dystrophy, X-Linked. Identifiers: Orphanet 178461, MedGen C2678055, MONDO:0010401, OMIM 300696.
Cardiovascular phenotype. Identifiers: MedGen CN230736.
Hypertrophic cardiomyopathy 1 (CMH1). Also called: Familial hypertrophic cardiomyopathy 1; MYH7-Related Familial Hypertrophic Cardiomyopathy. Identifiers: MedGen C3495498, MONDO:0008647, OMIM 192600.

Allele frequency attached by ClinVar (database versions not stated): gnomAD exomes 0.00002; TOPMed 0.00003.

Submissions (7):

Clinical Genetics, Tokyo Medical University
Classification: Likely pathogenic for Hypertrophic cardiomyopathy 1. Last evaluated: 2026-08-04. Review status: criteria provided, single submitter. Criteria: ACMG Guidelines, 2015. Collection method: clinical testing. Allele origin: germline. Inheritance: X-linked inheritance. Affected: yes. Observed: 1 variant allele, 1 heterozygote.
Comment: FHL1 c.199C>T (p.Arg67Cys) was classified as Likely Pathogenic based on the 2015 ACMG/AMP guidelines. PM1: Located in a highly conserved residue in the first LIM domain of FHL1, which is critical for protein structure and function. PM2: Rare in population databases (gnomAD AF 2.2×10⁻⁵). PP2: FHL1 is a gene where missense variants are a known mechanism of disease. PP3: Multiple in silico tools predict damaging effect (SIFT: deleterious, MutationTaster: disease causing, FATHMM: damaging, CADD phred 27.1). PP4: Patient phenotype (dilated phase of HCM, LVEDD 68mm, EF 25%) with X-linked inheritance pattern is consistent with FHL1-related cardiomyopathy.

Ambry Genetics
Classification: Uncertain significance for Cardiovascular phenotype. Last evaluated: 2025-12-09. Review status: criteria provided, single submitter. Criteria: Ambry Variant Classification Scheme 2023. Collection method: clinical testing. Allele origin: germline.

Women's Health and Genetics/Laboratory Corporation of America, LabCorp
Classification: Uncertain significance. Last evaluated: 2024-11-04. Review status: criteria provided, single submitter. Criteria: LabCorp Variant Classification Summary - May 2015. Collection method: clinical testing. Allele origin: germline.
Comment: Variant summary: FHL1 c.199C>T (p.Arg67Cys) results in a non-conservative amino acid change in the encoded protein sequence. Four of five in-silico tools predict a damaging effect of the variant on protein function. The variant allele was found at a frequency of 2.2e-05 in 183128 control chromosomes. The available data on variant occurrences in the general population are insufficient to allow any conclusion about variant significance. To our knowledge, no occurrence of c.199C>T in individuals affected with Emery-Dreifuss Muscular Dystrophy and no experimental evidence demonstrating its impact on protein function have been reported. ClinVar contains an entry for this variant (Variation ID: 1057575). Based on the evidence outlined above, the variant was classified as uncertain significance.

Genomic Medicine Center of Excellence, King Faisal Specialist Hospital and Research Centre
Classification: Uncertain significance for X-linked scapuloperoneal muscular dystrophy. Last evaluated: 2024-09-22. Review status: criteria provided, single submitter. Criteria: ACMG Guidelines, 2015. Collection method: clinical testing. Allele origin: germline.

Labcorp Genetics (formerly Invitae), Labcorp
Classification: Uncertain significance for X-linked myopathy with postural muscle atrophy. Last evaluated: 2023-12-09. Review status: criteria provided, single submitter. Criteria: Invitae Variant Classification Sherloc (09022015). Collection method: clinical testing. Allele origin: germline.
Comment: This sequence change replaces arginine, which is basic and polar, with cysteine, which is neutral and slightly polar, at codon 67 of the FHL1 protein (p.Arg67Cys). This variant is present in population databases (no rsID available, gnomAD 0.01%). This variant has not been reported in the literature in individuals affected with FHL1-related conditions. ClinVar contains an entry for this variant (Variation ID: 1057575). An algorithm developed to predict the effect of missense changes on protein structure and function (PolyPhen-2) suggests that this variant¬†is likely to be tolerated. In summary, the available evidence is currently insufficient to determine the role of this variant in disease. Therefore, it has been classified as a Variant of Uncertain Significance.

Diagnostic Laboratory, Department of Genetics, University Medical Center Groningen
Classification: Uncertain significance. Review status: no assertion criteria provided. Collection method: clinical testing. Allele origin: germline. Affected: yes. Study: VKGL Data-share Consensus. Not counted in ClinVar's aggregate classification.

Joint Genome Diagnostic Labs from Nijmegen and Maastricht, Radboudumc and MUMC+
Classification: Uncertain significance. Review status: no assertion criteria provided. Collection method: clinical testing. Allele origin: germline. Affected: yes. Study: VKGL Data-share Consensus. Not counted in ClinVar's aggregate classification.

NM_001159699.2(FHL1):c.247C>T (p.Arg83Cys)

Gene: FHL1 (four and a half LIM domains 1; plus strand). Cytogenetic location: Xq26.3.
Variant type: single nucleotide variant.
Coding change: c.247C>T on transcript NM_001159699.2 (MANE Select); coding-DNA position 247, C replaced by T.
Protein change: p.Arg83Cys; replaces arginine 83 with cysteine.
Molecular consequence: missense variant. On other transcripts: non-coding transcript variant (1).
Genome position (GRCh38, 1-based): chrX:136,207,058, C>T. VCF-style: chrX-136207058-C-T. GRCh37 (hg19) VCF-style: chrX-135289217-C-T.
Other names: c.199C>T, p.Arg67Cys (NM_001159700.2, NM_001159702.3, NM_001159703.2 and 9 more transcripts); c.286C>T, p.Arg96Cys (NM_001159701.2); c.247C>T, p.Arg83Cys (NM_001330659.2); c.199C>T (NM_001449.4); short protein forms R67C, R83C, R96C.
Identifiers: ClinVar variation 1057575 (VCV001057575.15), dbSNP rs1379221574, ClinGen allele CA414607979.